The following is an entry in ClinVar:

NM_004006.3(DMD):c.10901_10904del (p.Ser3634fs)

Gene: DMD (dystrophin; minus strand). Cytogenetic location: Xp21.2.
Variant type: Deletion.
Coding change: c.10901_10904del on transcript NM_004006.3 (MANE Select); coding-DNA positions 10901 to 10904, 4 bases deleted (GTCA; older notation c.10901_10904delGTCA).
Protein change: p.Ser3634fs; shifts the reading frame from serine 3634.
Molecular consequence: frameshift variant.
Genome position (GRCh38, 1-based): chrX:31,146,308-31,146,311, TGAC deleted on the plus strand (GTCA on the coding strand, the reverse complement: DMD is on the minus strand); deleting any 4 consecutive bases within chrX:31,146,308-31,146,313 gives the same sequence; the c. name uses the placement nearest the transcript's 3' end. VCF-style (leftmost placement, unchanged base first): chrX-31146307-TTGAC-T. GRCh37 (hg19) VCF-style: chrX-31164424-TTGAC-T.
Other names: c.10877_10880del, p.Ser3626fs (NM_000109.4); c.10899_10902delCAGT, p.Ser3634Lysfs (NM_004006.2); c.10889_10892del, p.Ser3630fs (NM_004009.3); c.10532_10535del, p.Ser3511fs (NM_004010.3); c.6878_6881del, p.Ser2293fs (NM_004011.4); c.6869_6872del, p.Ser2290fs (NM_004012.4); c.3521_3524del, p.Ser1174fs (NM_004013.3, NM_004021.3); c.2714_2717del, p.Ser905fs (NM_004014.3); and 4 more; short protein forms S1064fs, S1161fs, S1174fs, S2290fs, S2293fs, S3511fs, S3626fs, S3630fs.
Identifiers: ClinVar variation 4066298 (VCV004066298.2).

ClinVar aggregate classification (germline): Likely pathogenic (1 of 4 stars; one submission).

Conditions:
Becker muscular dystrophy, Cardiomyopathy, Duchenne muscular dystrophy, Dystrophin deficiency.

Submission:

Natera, Inc.
Classification: Likely pathogenic for Becker muscular dystrophy, Cardiomyopathy, Duchenne muscular dystrophy, Dystrophin deficiency. Last evaluated: 2025-03-14. Review status: criteria provided, single submitter. Criteria: Natera Variant Classification Schema (03/2026). Collection method: clinical testing. Allele origin: germline.
Comment: The c.10901_10904del variant in DMD is a frameshift variant predicted to shift the reading frame beginning at codon 3634 and leads to a stop codon 22 codons downstream. This variant is expected to result in nonsense mediated decay, truncation, or a dysfunctional protein product. This variant is rare in the general population with a frequency below the threshold expected for the associated phenotype(s). Given the available evidence, this variant is classified as Likely Pathogenic.